The following is an entry in ClinVar:

ClinVar aggregate classification (germline): Uncertain significance (1 of 4 stars; one submission).

Submission:

Labcorp Genetics (formerly Invitae), Labcorp
Classification: Uncertain significance. Last evaluated: 2023-06-05. Review status: criteria provided, single submitter. Criteria: Invitae Variant Classification Sherloc (09022015). Collection method: clinical testing. Allele origin: germline.
Comment: This sequence change replaces glycine, which is neutral and non-polar, with alanine, which is neutral and non-polar, at codon 1628 of the POLE protein (p.Gly1628Ala). In summary, the available evidence is currently insufficient to determine the role of this variant in disease. Therefore, it has been classified as a Variant of Uncertain Significance. Advanced modeling of protein sequence and biophysical properties (such as structural, functional, and spatial information, amino acid conservation, physicochemical variation, residue mobility, and thermodynamic stability) performed at Invitae indicates that this missense variant is not expected to disrupt POLE protein function. This variant has not been reported in the literature in individuals affected with POLE-related conditions. This variant is not present in population databases (gnomAD no frequency).

NM_006231.4(POLE):c.4883G>C (p.Gly1628Ala)

Gene: POLE (DNA polymerase epsilon, catalytic subunit; minus strand). Cytogenetic location: 12q24.33.
Variant type: single nucleotide variant.
Coding change: c.4883G>C on transcript NM_006231.4 (MANE Select); coding-DNA position 4883, G replaced by C.
Protein change: p.Gly1628Ala; replaces glycine 1628 with alanine.
Molecular consequence: missense variant.
Genome position (GRCh38, 1-based): chr12:132,642,575, C>G on the plus strand (G>C on the coding strand, the complement: POLE is on the minus strand). VCF-style: chr12-132642575-C-G. GRCh37 (hg19) VCF-style: chr12-133219161-C-G.
Other names: short protein forms G1628A.
Identifiers: ClinVar variation 2997499 (VCV002997499.3), dbSNP rs1233643471, ClinGen allele CA387378027.
Genomic context (GRCh38, chr12:132,642,575, plus strand): 5'-TCGAAGGCCTGCGACAGGCAGGTGTCCAGGTTGAGGTAGTGACGGATCATGCGCCGGGCT[C>G]CATGGCGCTGCCAGTCCAGGACCCCATAGTTGATCTTGTCAGCCACACAGATAGGCACCA-3'
Protein context (NP_006222.2, residues 1618-1638): NYGVLDWQRH[Gly1628Ala]ARRMIRHYLN